The following is an entry in ClinVar:

ClinVar aggregate classification (germline): Likely benign. Review status: criteria provided, multiple submitters, no conflicts (2 of 4 stars). 3 submissions from 3 submitters: Likely benign (2). 1 of the submissions does not count toward it. Last evaluated 2026-01-11.

Conditions:
LTBP4-related disorder. Also called: LTBP4-related condition.

Submissions (3):

Labcorp Genetics (formerly Invitae), Labcorp
Classification: Likely benign. Last evaluated: 2026-01-11. Review status: criteria provided, single submitter. Criteria: Invitae Variant Classification Sherloc (09022015). Collection method: clinical testing. Allele origin: germline.

GeneDx
Classification: Likely benign. Last evaluated: 2023-01-31. Review status: criteria provided, single submitter. Criteria: GeneDx Variant Classification Process June 2021. Collection method: clinical testing. Allele origin: germline. Affected: yes.
Comment: See Variant Classification Assertion Criteria.

PreventionGenetics, part of Exact Sciences
Classification: Likely benign for LTBP4-related condition. Last evaluated: 2019-02-26. Review status: no assertion criteria provided. Collection method: clinical testing. Allele origin: germline. Not counted in ClinVar's aggregate classification.
Comment: This variant is classified as likely benign based on ACMG/AMP sequence variant interpretation guidelines (Richards et al. 2015 PMID: 25741868, with internal and published modifications).

NM_001042545.2(LTBP4):c.2813-6_2813-5del

Gene: LTBP4 (latent transforming growth factor beta binding protein 4; plus strand). Cytogenetic location: 19q13.2.
Variant type: Microsatellite.
Coding change: c.2813-6_2813-5del on transcript NM_001042545.2 (MANE Select); 6 bases into the intron before coding-DNA position 2813 through 5 bases into the intron before coding-DNA position 2813, 2 bases deleted (CT; older notation c.2813-6_2813-5delCT).
Molecular consequence: intron variant.
Genome position (GRCh38, 1-based): chr19:40,616,883-40,616,884, CT deleted; deleting any 2 consecutive bases within chr19:40,616,881-40,616,884 gives the same sequence; the c. name uses the placement nearest the transcript's 3' end. VCF-style (leftmost placement, unchanged base first): chr19-40616880-ACT-A. GRCh37 (hg19) VCF-style: chr19-41122786-ACT-A.
Other names: c.2903-6_2903-5del (NM_003573.2); c.3014-6_3014-5del (NM_001042544.1); c.2903-6_2903-5delCT (NM_003573.2).
Identifiers: ClinVar variation 1204347 (VCV001204347.15), dbSNP rs755890348, ClinGen allele CA9448807.
Genomic context (GRCh38, chr19:40,616,880, plus strand): 5'-CCGGAAGTGGTGTTAGAACTTCTGAATTCAGGCCTTTGACTCCCCTTTCATCTCCTCCAC[ACT>A]CTGCAGATGTGGATGAGTGCCAAGAATATGGTCCCGAGATTTGTGGAGCCCAGCGTTGTG-3'